The following is an entry in ClinVar:

ClinVar aggregate classification (germline): Pathogenic (1 of 4 stars; one submission).

Conditions:
Fanconi anemia (FA). Also called: Fanconi's anemia. Identifiers: Orphanet 84, MedGen C0015625, MeSH D005199, MONDO:0019391.

Submission:

Labcorp Genetics (formerly Invitae), Labcorp
Classification: Pathogenic for Fanconi anemia. Last evaluated: 2024-02-23. Review status: criteria provided, single submitter. Criteria: Invitae Variant Classification Sherloc (09022015). Collection method: clinical testing. Allele origin: germline.
Comment: This sequence change creates a premature translational stop signal (p.Leu259Tyrfs*2) in the FANCD2 gene. It is expected to result in an absent or disrupted protein product. Loss-of-function variants in FANCD2 are known to be pathogenic (PMID: 17436244). This variant is not present in population databases (gnomAD no frequency). This variant has not been reported in the literature in individuals affected with FANCD2-related conditions. ClinVar contains an entry for this variant (Variation ID: 1072917). Algorithms developed to predict the effect of sequence changes on RNA splicing suggest that this variant may disrupt the consensus splice site. For these reasons, this variant has been classified as Pathogenic.

Literature cited by the submitters: PubMed 17436244.

NM_001018115.3(FANCD2):c.775del (p.Leu259fs)

Genes: FANCD2 (FA complementation group D2; plus strand), LOC107303338 (3p25 FANCD2 Alu-mediated recombination region; plus strand). Cytogenetic location: 3p25.3.
Variant type: Deletion.
Coding change: c.775del on transcript NM_001018115.3 (MANE Select); coding-DNA position 775, one base deleted (C; older notation c.775delC).
Protein change: p.Leu259fs; shifts the reading frame from leucine 259.
Molecular consequence: frameshift variant.
Genome position (GRCh38, 1-based): chr3:10,041,702, C deleted; the last of 2 consecutive C bases (chr3:10,041,701-10,041,702); deleting either gives the same sequence. VCF-style (leftmost placement, unchanged base first): chr3-10041700-TC-T. GRCh37 (hg19) VCF-style: chr3-10083384-TC-T.
Other names: c.775del, p.Leu259fs (NM_001319984.2, NM_001374253.1, NM_001374254.1 and 1 more transcripts); short protein forms L259fs.
Identifiers: ClinVar variation 1072917 (VCV001072917.7), dbSNP rs2124989402, ClinGen allele CA2499216334.